The following is an entry in ClinVar:

NM_001040108.2(MLH3):c.3412C>T (p.Leu1138Phe)

Gene: MLH3 (mutL homolog 3; minus strand). Cytogenetic location: 14q24.3.
Variant type: single nucleotide variant.
Coding change: c.3412C>T on transcript NM_001040108.2 (MANE Select); coding-DNA position 3412, C replaced by T.
Protein change: p.Leu1138Phe; replaces leucine 1138 with phenylalanine.
Molecular consequence: missense variant.
Genome position (GRCh38, 1-based): chr14:75,041,668, G>A on the plus strand (C>T on the coding strand, the complement: MLH3 is on the minus strand). VCF-style: chr14-75041668-G-A. GRCh37 (hg19) VCF-style: chr14-75508371-G-A.
Other names: c.3412C>T, p.Leu1138Phe (NM_014381.3); short protein forms L1138F.
Identifiers: ClinVar variation 1731184 (VCV001731184.2), dbSNP rs777595505, ClinGen allele CA390430888.

ClinVar aggregate classification (germline): Uncertain significance (1 of 4 stars; one submission).

Submission:

Ambry Genetics
Classification: Uncertain significance. Last evaluated: 2022-04-11. Review status: criteria provided, single submitter. Criteria: Ambry Variant Classification Scheme 2023. Collection method: clinical testing. Allele origin: germline.
Comment: The p.L1138F variant (also known as c.3412C>T), located in coding exon 3 of the MLH3 gene, results from a C to T substitution at nucleotide position 3412. The leucine at codon 1138 is replaced by phenylalanine, an amino acid with highly similar properties. This amino acid position is conserved. In addition, the in silico prediction for this alteration is inconclusive. Since supporting evidence is limited at this time, the clinical significance of this alteration remains unclear.